The following is an entry in ClinVar:

ClinVar aggregate classification (germline): Uncertain significance (1 of 4 stars; one submission).

Conditions:
Hereditary sensory and autonomic neuropathy type 7. Also called: HSAN VII; Neuropathy, hereditary sensory and autonomic, type VII. Identifiers: Orphanet 391397, MedGen C3809882, MONDO:0014244, OMIM 615548.
Familial episodic pain syndrome with predominantly lower limb involvement. Also called: Episodic pain syndrome, familial, 3. Identifiers: Orphanet 391384, Orphanet 391392, MedGen C3809899, MONDO:0014247, OMIM 615552.

Allele frequency attached by ClinVar (database versions not stated): gnomAD 0.00001; gnomAD exomes 0.00001; TOPMed 0.00001.
gnomAD v4.1: 6 of 1,613,480 alleles (0.00037%); highest among the groups gnomAD compares: African/African-American, 0.004%; no homozygotes.

Submission:

Labcorp Genetics (formerly Invitae), Labcorp
Classification: Uncertain significance for Familial episodic pain syndrome with predominantly lower limb involvement; Hereditary sensory and autonomic neuropathy type 7. Last evaluated: 2023-02-25. Review status: criteria provided, single submitter. Criteria: Invitae Variant Classification Sherloc (09022015). Collection method: clinical testing. Allele origin: germline.
Comment: In summary, the available evidence is currently insufficient to determine the role of this variant in disease. Therefore, it has been classified as a Variant of Uncertain Significance. Advanced modeling of protein sequence and biophysical properties (such as structural, functional, and spatial information, amino acid conservation, physicochemical variation, residue mobility, and thermodynamic stability) performed at Invitae indicates that this missense variant is expected to disrupt SCN11A protein function. This variant has not been reported in the literature in individuals affected with SCN11A-related conditions. This variant is present in population databases (no rsID available, gnomAD 0.004%). This sequence change replaces tyrosine, which is neutral and polar, with cysteine, which is neutral and slightly polar, at codon 337 of the SCN11A protein (p.Tyr337Cys).

NM_001349253.2(SCN11A):c.1010A>G (p.Tyr337Cys)

Gene: SCN11A (sodium voltage-gated channel alpha subunit 11; minus strand). Cytogenetic location: 3p22.2.
Variant type: single nucleotide variant.
Coding change: c.1010A>G on transcript NM_001349253.2 (MANE Select); coding-DNA position 1010, A replaced by G.
Protein change: p.Tyr337Cys; replaces tyrosine 337 with cysteine.
Molecular consequence: missense variant.
Genome position (GRCh38, 1-based): chr3:38,910,157, T>C on the plus strand (A>G on the coding strand, the complement: SCN11A is on the minus strand). VCF-style: chr3-38910157-T-C. GRCh37 (hg19) VCF-style: chr3-38951648-T-C.
Other names: c.1010A>G, p.Tyr337Cys (NM_014139.3); short protein forms Y337C.
Identifiers: ClinVar variation 2930313 (VCV002930313.3), dbSNP rs1209775409, ClinGen allele CA352168625.